The following is an entry in ClinVar:

ClinVar aggregate classification (germline): Benign/Likely benign. Review status: criteria provided, multiple submitters, no conflicts (2 of 4 stars). 3 submissions from 3 submitters: Benign (1); Likely benign (2). Last evaluated 2026-01-13.

Conditions:
Creatine transporter deficiency (CCDS1). Also called: Mental retardation , X-linked with seizures, short stature and midface hypoplasia; Mental retardation , X-linked, with creatine transport deficiency; X-linked creatine transporter deficiency; X-linked creatine deficiency syndrome; SLC6A8-Related Creatine Transporter Deficiency; CREATINE TRANSPORTER DEFECT. Identifiers: Orphanet 52503, MedGen C1845862, MONDO:0010305, OMIM 300352.

Allele frequency attached by ClinVar (database versions not stated): TOPMed 0.00002; ESP Exome Variant Server 0.00009; gnomAD exomes 0.00017; ExAC 0.00020.

Submissions (3):

Labcorp Genetics (formerly Invitae), Labcorp
Classification: Benign for Creatine transporter deficiency. Last evaluated: 2026-01-13. Review status: criteria provided, single submitter. Criteria: Invitae Variant Classification Sherloc (09022015). Collection method: clinical testing. Allele origin: germline.

Blueprint Genetics
Classification: Likely benign. Last evaluated: 2021-01-13. Review status: criteria provided, single submitter. Criteria: ACMG Guidelines, 2015. Collection method: clinical testing. Allele origin: germline.

GeneDx
Classification: Likely benign. Last evaluated: 2018-02-07. Review status: criteria provided, single submitter. Criteria: GeneDx Variant Classification (06012015). Collection method: clinical testing. Allele origin: germline. Affected: yes.
Comment: This variant is considered likely benign or benign based on one or more of the following criteria: it is a conservative change, it occurs at a poorly conserved position in the protein, it is predicted to be benign by multiple in silico algorithms, and/or has population frequency not consistent with disease.

NM_005629.4(SLC6A8):c.1016+10G>A

Gene: SLC6A8 (solute carrier family 6 member 8; plus strand). Cytogenetic location: Xq28.
Variant type: single nucleotide variant.
Coding change: c.1016+10G>A on transcript NM_005629.4 (MANE Select); 10 bases into the intron after coding-DNA position 1016, G replaced by A.
Molecular consequence: intron variant.
Genome position (GRCh38, 1-based): chrX:153,693,376, G>A. VCF-style: chrX-153693376-G-A. GRCh37 (hg19) VCF-style: chrX-152958831-G-A.
Other names: c.1016+10G>A (NM_001142805.2); c.671+10G>A (NM_001142806.1).
Identifiers: ClinVar variation 380461 (VCV000380461.11), dbSNP rs371905179, ClinGen allele CA10549376.
Genomic context (GRCh38, chrX:153,693,376, plus strand): 5'-GGCCCTCACAGCCCTGGGCAGCTACAACCGCTTCAACAACAACTGCTACAAGTAAGCACC[G>A]CCGCCCTGCCACCCGTGCCCTGTCCTGCCCTGCCCCGCCCTGCCCAGCAGCCTAACCCAT-3'